The following is an entry in ClinVar:

NM_015178.3(RHOBTB2):c.681T>C (p.Pro227=)

Gene: RHOBTB2 (Rho related BTB domain containing 2; plus strand). Cytogenetic location: 8p21.3.
Variant type: single nucleotide variant.
Coding change: c.681T>C on transcript NM_015178.3 (MANE Select); coding-DNA position 681, T replaced by C.
Protein change: p.Pro227=; no amino-acid change (proline 227 retained).
Molecular consequence: synonymous variant.
Genome position (GRCh38, 1-based): chr8:23,006,926, T>C. VCF-style: chr8-23006926-T-C. GRCh37 (hg19) VCF-style: chr8-22864439-T-C.
Other names: c.747T>C, p.Pro249= (NM_001160036.2); c.702T>C, p.Pro234= (NM_001160037.2); c.681T>C, p.Pro227= (NM_001374791.1).
Identifiers: ClinVar variation 4873440 (VCV004873440.2).

ClinVar aggregate classification (germline): Likely benign (1 of 4 stars; one submission).

Submission:

CeGaT Center for Human Genetics Tuebingen
Classification: Likely benign. Last evaluated: 2026-05-01. Review status: criteria provided, single submitter. Criteria: CeGaT Center For Human Genetics Tuebingen Variant Classification Criteria Version 2. Collection method: clinical testing. Allele origin: germline. Affected: yes. Observed: 1 variant allele.
Comment: RHOBTB2: BP4, BP7